The following is an entry in ClinVar:

ClinVar aggregate classification (germline): Uncertain significance. Review status: criteria provided, multiple submitters, no conflicts (2 of 4 stars). 2 submissions from 2 submitters: Uncertain significance (2). Last evaluated 2025-01-23.

Conditions:
Early-infantile DEE. Also called: Early infantile epileptic encephalopathy with suppression bursts; Early infantile epileptic encephalopathy; Ohtahara syndrome. Identifiers: Orphanet 1934, MedGen C0393706, MONDO:0800491.

Submissions (2):

Labcorp Genetics (formerly Invitae), Labcorp
Classification: Uncertain significance for Early-infantile DEE. Last evaluated: 2025-01-23. Review status: criteria provided, single submitter. Criteria: Invitae Variant Classification Sherloc (09022015). Collection method: clinical testing. Allele origin: germline.
Comment: This sequence change replaces alanine, which is neutral and non-polar, with threonine, which is neutral and polar, at codon 476 of the SCN1A protein (p.Ala476Thr). This variant is not present in population databases (gnomAD no frequency). This variant has not been reported in the literature in individuals affected with SCN1A-related conditions. Invitae Evidence Modeling of protein sequence and biophysical properties (such as structural, functional, and spatial information, amino acid conservation, physicochemical variation, residue mobility, and thermodynamic stability) indicates that this missense variant is not expected to disrupt SCN1A protein function with a negative predictive value of 95%. In summary, the available evidence is currently insufficient to determine the role of this variant in disease. Therefore, it has been classified as a Variant of Uncertain Significance.

Blueprint Genetics
Classification: Uncertain significance. Last evaluated: 2021-06-14. Review status: criteria provided, single submitter. Criteria: ACMG Guidelines, 2015. Collection method: clinical testing. Allele origin: germline.

NM_001165963.4(SCN1A):c.1426G>A (p.Ala476Thr)

Gene: SCN1A (sodium voltage-gated channel alpha subunit 1; minus strand). Cytogenetic location: 2q24.3.
Variant type: single nucleotide variant.
Coding change: c.1426G>A on transcript NM_001165963.4 (MANE Select); coding-DNA position 1426, G replaced by A.
Protein change: p.Ala476Thr; replaces alanine 476 with threonine.
Molecular consequence: missense variant. On other transcripts: 5 prime UTR variant (1), non-coding transcript variant (1).
Genome position (GRCh38, 1-based): chr2:166,045,279, C>T on the plus strand (G>A on the coding strand, the complement: SCN1A is on the minus strand). VCF-style: chr2-166045279-C-T. GRCh37 (hg19) VCF-style: chr2-166901789-C-T.
Other names: c.1426G>A, p.Ala476Thr (NM_001165964.3, NM_001202435.3, NM_001353948.2 and 7 more transcripts); c.1423G>A, p.Ala475Thr (NM_001353954.2, NM_001353955.2, NM_001353960.2); c.-1000G>A (NM_001353961.2); short protein forms A475T, A476T.
Identifiers: ClinVar variation 3634054 (VCV003634054.3).